The following is an entry in ClinVar:

NM_015072.5(TTLL5):c.3157CTC[1] (p.Leu1054del)

Gene: TTLL5 (tubulin tyrosine ligase like 5; plus strand). Cytogenetic location: 14q24.3.
Variant type: Microsatellite.
Coding change: c.3157CTC[1] on transcript NM_015072.5 (MANE Select); one copy of the 3-base unit CTC starting at c.3157; the reference has two copies in a row; one copy, 3 bases deleted.
Protein change: p.Leu1054del; deletes leucine 1054.
Molecular consequence: inframe deletion.
Genome position (GRCh38, 1-based): chr14:75,793,089-75,793,091, CTC deleted; deleting any 3 consecutive bases within chr14:75,793,085-75,793,091 gives the same sequence; the position shown is the placement nearest the transcript's 3' end. VCF-style (leftmost placement, unchanged base first): chr14-75793084-ACCT-A. GRCh37 (hg19) VCF-style: chr14-76259427-ACCT-A.
Other names: short protein forms L1054del.
Identifiers: ClinVar variation 1973391 (VCV001973391.5), dbSNP rs1156228508, ClinGen allele CA615082098.
Genomic context (GRCh38, chr14:75,793,084, plus strand): 5'-AACTTCAGCGGCTAGCTGAGAAGCAGGCAGCGAGACAGTATTCTCCATCCAGCCACATCA[ACCT>A]CCTCACCCAACAGGTACGGATGGTCTGGGGTGTCCAAGAGCTCTTTGGACCTGAGGATAG-3'

ClinVar aggregate classification (germline): Uncertain significance (1 of 4 stars; one submission).

Submission:

Labcorp Genetics (formerly Invitae), Labcorp
Classification: Uncertain significance. Last evaluated: 2022-04-16. Review status: criteria provided, single submitter. Criteria: Invitae Variant Classification Sherloc (09022015). Collection method: clinical testing. Allele origin: germline.
Comment: This variant has not been reported in the literature in individuals affected with TTLL5-related conditions. In summary, the available evidence is currently insufficient to determine the role of this variant in disease. Therefore, it has been classified as a Variant of Uncertain Significance. Experimental studies and prediction algorithms are not available or were not evaluated, and the functional significance of this variant is currently unknown. This variant is present in population databases (no rsID available, gnomAD 0.007%). This variant, c.3160_3162del, results in the deletion of 1 amino acid(s) of the TTLL5 protein (p.Leu1054del), but otherwise preserves the integrity of the reading frame.